The following is an entry in ClinVar:

ClinVar aggregate classification (germline): Likely benign (1 of 4 stars; one submission).

Conditions:
CEP290-related disorder. Also called: CEP290-related disorders; CEP290-related condition. Identifiers: MedGen CN239314.

Submission:

PreventionGenetics, part of Exact Sciences
Classification: Likely benign for CEP290-related condition. Last evaluated: 2025-06-23. Review status: criteria provided, single submitter. Criteria: ACMG Guidelines, 2015. Collection method: clinical testing. Allele origin: germline.
Comment: This variant is classified as likely benign based on ACMG/AMP sequence variant interpretation guidelines (Richards et al. 2015 PMID: 25741868, with internal and published modifications).

NM_025114.4(CEP290):c.696T>A (p.Ile232=)

Gene: CEP290 (centrosomal protein 290; minus strand). Cytogenetic location: 12q21.32.
Variant type: single nucleotide variant.
Coding change: c.696T>A on transcript NM_025114.4 (MANE Select); coding-DNA position 696, T replaced by A.
Protein change: p.Ile232=; no amino-acid change (isoleucine 232 retained).
Molecular consequence: synonymous variant.
Genome position (GRCh38, 1-based): chr12:88,129,850, A>T on the plus strand (T>A on the coding strand, the complement: CEP290 is on the minus strand). VCF-style: chr12-88129850-A-T. GRCh37 (hg19) VCF-style: chr12-88523627-A-T.
Identifiers: ClinVar variation 5000064 (VCV005000064.1).
Genomic context (GRCh38, chr12:88,129,850, plus strand): 5'-CTTCTCCATTTCCTGTACAGACTCTTCTAAATTTTTTCTCATTTCTTGATTCTGAACTTC[A>T]ATTTTCTCATTAGCTTCTGTTAAAGTCTAAAAAAGTTAAAGACACTATAATTAAAAAGTA-3'
Protein context (NP_079390.3, residues 222-242): IQTLTEANEK[Ile232=]EVQNQEMRKN